The following is an entry in ClinVar:

NM_138927.4(SON):c.5647AGA[1] (p.Arg1884del)

Gene: SON (SON DNA and RNA binding protein; plus strand). Cytogenetic location: 21q22.11.
Variant type: Microsatellite.
Coding change: c.5647AGA[1] on transcript NM_138927.4 (MANE Select); one copy of the 3-base unit AGA starting at c.5647; the reference has two copies in a row; one copy, 3 bases deleted.
Protein change: p.Arg1884del; deletes arginine 1884.
Molecular consequence: inframe deletion. On other transcripts: inframe indel (3), non-coding transcript variant (1), intron variant (1).
Genome position (GRCh38, 1-based): chr21:33,554,881-33,554,883, AGA deleted; deleting any 3 consecutive bases within chr21:33,554,876-33,554,883 gives the same sequence; the position shown is the placement nearest the transcript's 3' end. VCF-style (leftmost placement, unchanged base first): chr21-33554875-GGAA-G. GRCh37 (hg19) VCF-style: chr21-34927181-GGAA-G.
Other names: c.5647AGA[1], p.Arg1884del (NM_001291411.2, NM_032195.3); c.5647_5649AGA[1], p.Arg1884del (NM_001412133.1, NM_058183.2, NM_138926.1); c.245-2275_245-2273del (NM_001291412.3); short protein forms R1884del.
Identifiers: ClinVar variation 1806029 (VCV001806029.1), dbSNP rs2517392581, ClinGen allele CA923726167.
Genomic context (GRCh38, chr21:33,554,875, plus strand): 5'-CGTTCACGGTCACGTTCAAGACGCAGGAGGAGAAGCAGCAGATCAAGATCAAAGTCTAGA[GGAA>G]GAAGATCTGTATCAAAAGAGAAGCGCAAAAGATCTCCAAAGCACAGATCCAAGTCTAGGG-3'

ClinVar aggregate classification (germline): Uncertain significance (1 of 4 stars; one submission).

Conditions:
ZTTK syndrome (ZTTKS). Also called: ZTTK MULTIPLE CONGENITAL ANOMALIES-MENTAL RETARDATION SYNDROME; Zhu-Tokita-Takenouchi-Kim Syndrome. Identifiers: Orphanet 500150, MedGen C4310696, MONDO:0014936, OMIM 617140.

Submission:

Victorian Clinical Genetics Services, Murdoch Childrens Research Institute
Classification: Uncertain significance for ZTTK syndrome. Last evaluated: 2020-05-25. Review status: criteria provided, single submitter. Criteria: ACMG Guidelines, 2015. Collection method: clinical testing. Allele origin: germline. Inheritance: Autosomal dominant inheritance.
Comment: A heterozygous deletion variant was identified, NM_138927.2(SON):c.5650_5652del in exon 3 of 12 of the SON gene (NB: This variant is non-coding in an alternative transcript). This deletion is predicted to cause a deletion of arginine at position 1884 of the protein, NP_620305.2(SON):p.(Arg1884del). The arginine at this position has moderate conservation (100 vertebrates, UCSC), and is not situated in a known functional domain. The variant is not present in the gnomAD population database, and has not been previously reported in clinical cases. Based on information available at the time of curation, this variant has been classified as a VARIANT of UNCERTAIN SIGNIFICANCE (VUS). Legend: (P) - Pathogenic, (N) - Neutral, (B) - Benign